The following is an entry in ClinVar:

ClinVar aggregate classification (germline): Uncertain significance. Review status: criteria provided, multiple submitters, no conflicts (2 of 4 stars). 2 submissions from 2 submitters: Uncertain significance (2). Last evaluated 2025-10-23.

Conditions:
Landau-Kleffner syndrome (FESD). Also called: APHASIA, ACQUIRED, WITH EPILEPSY; EPILEPSY, FOCAL, WITH SPEECH DISORDER AND WITH OR WITHOUT MENTAL RETARDATION. Identifiers: Orphanet 1945, Orphanet 725, Orphanet 98818, MedGen C0282512, MONDO:0009509, OMIM 245570.

Allele frequency attached by ClinVar (database versions not stated): TOPMed below 0.00001; gnomAD exomes 0.00002.
gnomAD v4.1: 28 of 1,614,142 alleles (0.0017%); highest among the groups gnomAD compares: Non-Finnish European, 0.0022%; no homozygotes.

Submissions (2):

Labcorp Genetics (formerly Invitae), Labcorp
Classification: Uncertain significance for Landau-Kleffner syndrome. Last evaluated: 2025-10-23. Review status: criteria provided, single submitter. Criteria: Invitae Variant Classification Sherloc (09022015). Collection method: clinical testing. Allele origin: germline.
Comment: This sequence change replaces aspartic acid, which is acidic and polar, with asparagine, which is neutral and polar, at codon 1060 of the GRIN2A protein (p.Asp1060Asn). This variant is not present in population databases (gnomAD no frequency). This variant has not been reported in the literature in individuals affected with GRIN2A-related conditions. ClinVar contains an entry for this variant (Variation ID: 252536). Invitae Evidence Modeling of protein sequence and biophysical properties (such as structural, functional, and spatial information, amino acid conservation, physicochemical variation, residue mobility, and thermodynamic stability) has been performed for this missense variant. However, the output from this modeling did not meet the statistical confidence thresholds required to predict the impact of this variant on GRIN2A protein function. In summary, the available evidence is currently insufficient to determine the role of this variant in disease. Therefore, it has been classified as a Variant of Uncertain Significance.

Genomic Diagnostic Laboratory, Division of Genomic Diagnostics, Children's Hospital of Philadelphia
Classification: Uncertain significance. Last evaluated: 2015-12-17. Review status: criteria provided, single submitter. Criteria: DGD Variant Analysis Guidelines. Collection method: clinical testing. Allele origin: unknown.

NM_001134407.3(GRIN2A):c.3178G>A (p.Asp1060Asn)

Gene: GRIN2A (glutamate ionotropic receptor NMDA type subunit 2A; minus strand). Cytogenetic location: 16p13.2.
Variant type: single nucleotide variant.
Coding change: c.3178G>A on transcript NM_001134407.3 (MANE Select); coding-DNA position 3178, G replaced by A.
Protein change: p.Asp1060Asn; replaces aspartic acid 1060 with asparagine.
Molecular consequence: missense variant.
Genome position (GRCh38, 1-based): chr16:9,764,366, C>T on the plus strand (G>A on the coding strand, the complement: GRIN2A is on the minus strand). VCF-style: chr16-9764366-C-T. GRCh37 (hg19) VCF-style: chr16-9858223-C-T.
Other names: c.3178G>A, p.Asp1060Asn (NM_000833.5, NM_001134408.2); short protein forms D1060N.
Identifiers: ClinVar variation 252536 (VCV000252536.11), dbSNP rs879255358, ClinGen allele CA10586029.